The following is an entry in ClinVar:

NM_005045.4(RELN):c.5260G>A (p.Ala1754Thr)

Gene: RELN (reelin; minus strand). Cytogenetic location: 7q22.1.
Variant type: single nucleotide variant.
Coding change: c.5260G>A on transcript NM_005045.4 (MANE Select); coding-DNA position 5260, G replaced by A.
Protein change: p.Ala1754Thr; replaces alanine 1754 with threonine.
Molecular consequence: missense variant.
Genome position (GRCh38, 1-based): chr7:103,561,904, C>T on the plus strand (G>A on the coding strand, the complement: RELN is on the minus strand). VCF-style: chr7-103561904-C-T. GRCh37 (hg19) VCF-style: chr7-103202351-C-T.
Other names: c.5260G>A, p.Ala1754Thr (NM_173054.3); short protein forms A1754T.
Identifiers: ClinVar variation 862751 (VCV000862751.9), dbSNP rs1830650545, ClinGen allele CA368744529.

ClinVar aggregate classification (germline): Uncertain significance (1 of 4 stars; one submission).

Conditions:
Familial temporal lobe epilepsy 7. Identifiers: Orphanet 101046, MedGen C4225327, MONDO:0014639, OMIM 616436.
Norman-Roberts syndrome (LIS2). Also called: Lissencephaly 2 (Norman-Roberts type). Identifiers: Orphanet 89844, MedGen C0796089, MONDO:0009760, OMIM 257320.

Allele frequency attached by ClinVar (database versions not stated): TOPMed below 0.00001.

Submission:

Labcorp Genetics (formerly Invitae), Labcorp
Classification: Uncertain significance for Familial temporal lobe epilepsy 7; Norman-Roberts syndrome. Last evaluated: 2019-01-26. Review status: criteria provided, single submitter. Criteria: Invitae Variant Classification Sherloc (09022015). Collection method: clinical testing. Allele origin: germline.
Comment: This variant has not been reported in the literature in individuals with RELN-related conditions. In summary, the available evidence is currently insufficient to determine the role of this variant in disease. Therefore, it has been classified as a Variant of Uncertain Significance. Algorithms developed to predict the effect of missense changes on protein structure and function are either unavailable or do not agree on the potential impact of this missense change (SIFT: "Deleterious"; PolyPhen-2: "Benign"; Align-GVGD: "Class C0"). This variant is not present in population databases (ExAC no frequency). This sequence change replaces alanine with threonine at codon 1754 of the RELN protein (p.Ala1754Thr). The alanine residue is highly conserved and there is a small physicochemical difference between alanine and threonine.